The following is an entry in ClinVar:

ClinVar aggregate classification (germline): Conflicting classifications of pathogenicity. Review status: criteria provided, conflicting classifications (1 of 4 stars). 8 submissions from 8 submitters: Uncertain significance (1); Benign (1); Likely benign (5). 1 of the submissions does not count toward it. Last evaluated 2026-01-17.

Conditions:
Hereditary cancer-predisposing syndrome. Also called: Tumor predisposition; Hereditary Cancer Syndrome; Neoplastic Syndromes, Hereditary; Hereditary neoplastic syndrome. Identifiers: Orphanet 140162, MedGen C0027672, MeSH D009386, MONDO:0015356.
Multiple endocrine neoplasia, type 2 (MEN2). Identifiers: Orphanet 653, MedGen C4048306, MONDO:0019003. Disease mechanism: gain of function.
RET-related disorder. Also called: RET-related disorders; RET-related condition; RET-related disease.
Multiple endocrine neoplasia type 2B. Also called: Multiple endocrine neoplasia, type 3; MEN 2B; MUCOSAL NEUROMA SYNDROME; Multiple Endocrine Neoplasia Type 2B (MEN2B); MEN IIB; NEUROMATA, MUCOSAL, WITH ENDOCRINE TUMORS. Identifiers: Orphanet 247709, Orphanet 653, MedGen C0025269, MeSH D018814, MONDO:0008082, OMIM 162300.

Allele frequency attached by ClinVar (database versions not stated): gnomAD 0.00001 and 0.00004; TOPMed 0.00001; gnomAD exomes 0.00010 and 0.00019; 1000 Genomes Project 30x 0.00016; 1000 Genomes Project 0.00020; ExAC 0.00028.
gnomAD v4.1: 151 of 1,602,950 alleles (0.0094%); highest among the groups gnomAD compares: South Asian, 0.16%; 2 homozygotes.

Submissions (8):

Labcorp Genetics (formerly Invitae), Labcorp
Classification: Likely benign for Multiple endocrine neoplasia, type 2. Last evaluated: 2026-01-17. Review status: criteria provided, single submitter. Criteria: Invitae Variant Classification Sherloc (09022015). Collection method: clinical testing. Allele origin: germline.

Blueprint Genetics
Classification: Likely benign. Last evaluated: 2023-12-04. Review status: criteria provided, single submitter. Criteria: ACMG Guidelines, 2015. Collection method: clinical testing. Allele origin: germline.

KCCC/NGS Laboratory, Kuwait Cancer Control Center
Classification: Likely benign for Multiple endocrine neoplasia type 2B. Last evaluated: 2023-07-07. Review status: criteria provided, single submitter. Criteria: ACMG Guidelines, 2015. Collection method: clinical testing. Allele origin: germline. Affected: yes.

Color Diagnostics, LLC DBA Color Health
Classification: Likely benign for Multiple endocrine neoplasia, type 2. Last evaluated: 2023-06-01. Review status: criteria provided, single submitter. Criteria: ACMG Guidelines, 2015. Collection method: clinical testing. Allele origin: germline.

Institute for Clinical Genetics, University Hospital TU Dresden, University Hospital TU Dresden
Classification: Uncertain significance. Last evaluated: 2021-11-03. Review status: criteria provided, single submitter. Criteria: ACMG Guidelines, 2015. Collection method: clinical testing. Allele origin: germline.

Ambry Genetics
Classification: Benign for Hereditary cancer-predisposing syndrome. Last evaluated: 2021-08-13. Review status: criteria provided, single submitter. Criteria: Ambry Variant Classification Scheme 2023. Collection method: clinical testing. Allele origin: germline.

Sema4
Classification: Likely benign for Hereditary cancer-predisposing syndrome. Last evaluated: 2020-10-06. Review status: criteria provided, single submitter. Criteria: Sema4 Curation Guidelines. Collection method: curation. Allele origin: germline.

PreventionGenetics, part of Exact Sciences
Classification: Likely benign for RET-related condition. Last evaluated: 2022-06-08. Review status: no assertion criteria provided. Collection method: clinical testing. Allele origin: germline. Not counted in ClinVar's aggregate classification.
Comment: This variant is classified as likely benign based on ACMG/AMP sequence variant interpretation guidelines (Richards et al. 2015 PMID: 25741868, with internal and published modifications).

NM_020975.6(RET):c.322A>C (p.Lys108Gln)

Gene: RET (ret proto-oncogene; plus strand). Cytogenetic location: 10q11.21.
Variant type: single nucleotide variant.
Coding change: c.322A>C on transcript NM_020975.6 (MANE Select); coding-DNA position 322, A replaced by C.
Protein change: p.Lys108Gln; replaces lysine 108 with glutamine.
Molecular consequence: missense variant.
Genome position (GRCh38, 1-based): chr10:43,100,707, A>C. VCF-style: chr10-43100707-A-C. GRCh37 (hg19) VCF-style: chr10-43596155-A-C.
Other names: c.322A>C, p.Lys108Gln (NM_000323.2, NM_001406743.1, NM_001406744.1 and 34 more transcripts); short protein forms K108Q.
Identifiers: ClinVar variation 477370 (VCV000477370.23), dbSNP rs567877611, ClinGen allele CA043092.